The following is an entry in ClinVar:

ClinVar aggregate classification (germline): Conflicting classifications of pathogenicity. Review status: criteria provided, conflicting classifications (1 of 4 stars). 6 submissions from 4 submitters: Uncertain significance (4); Likely benign (2). Last evaluated 2024-08-29.

Conditions:
Cardiovascular phenotype. Identifiers: MedGen CN230736.
Arrhythmogenic cardiomyopathy with wooly hair and keratoderma. Also called: PALMOPLANTAR KERATODERMA WITH LEFT VENTRICULAR CARDIOMYOPATHY AND WOOLLY HAIR; Carvajal syndrome; Dilated cardiomyopathy with woolly hair and keratoderma; Arrhythmogenic cardiomyopathy with woolly hair and keratoderma. Identifiers: Orphanet 65282, MedGen C1854063, MONDO:0011581, OMIM 605676.
Arrhythmogenic right ventricular dysplasia 8 (ARVD8). Also called: ARRHYTHMOGENIC RIGHT VENTRICULAR DYSPLASIA, FAMILIAL, 8; ARRHYTHMOGENIC RIGHT VENTRICULAR CARDIOMYOPATHY 8; Arrhythmogenic Right Ventricular Dysplasia/Cardiomyopathy 8. Identifiers: MedGen C1843896, MONDO:0011831, OMIM 607450.
Cardiomyopathy (CMYO). Also called: Cardiomyopathies. Identifiers: Orphanet 167848, MedGen C0878544, MONDO:0004994, HP:0001638. Inheritance: Various modes of inheritance.
Woolly hair-skin fragility syndrome (WHSF). Identifiers: Orphanet 293165, MedGen C1843292, MONDO:0957307, OMIM 620415.
Lethal acantholytic epidermolysis bullosa (EBLA). Identifiers: Orphanet 158687, MedGen C1864826, MONDO:0012323, OMIM 609638.

gnomAD v4.1: 5 of 1,614,108 alleles (0.00031%); highest among the groups gnomAD compares: South Asian, 0.0011%; no homozygotes.

Submissions (6):

Color Diagnostics, LLC DBA Color Health
Classification: Likely benign for Cardiomyopathy. Last evaluated: 2024-08-29. Review status: criteria provided, single submitter. Criteria: ACMG Guidelines, 2015. Collection method: clinical testing. Allele origin: germline.

Ambry Genetics
Classification: Likely benign for Cardiovascular phenotype. Last evaluated: 2023-11-30. Review status: criteria provided, single submitter. Criteria: Ambry Variant Classification Scheme 2023. Collection method: clinical testing. Allele origin: germline.

Labcorp Genetics (formerly Invitae), Labcorp
Classification: Uncertain significance for Arrhythmogenic cardiomyopathy with wooly hair and keratoderma; Arrhythmogenic right ventricular dysplasia 8. Last evaluated: 2019-12-27. Review status: criteria provided, single submitter. Criteria: Invitae Variant Classification Sherloc (09022015). Collection method: clinical testing. Allele origin: germline.
Comment: This sequence change replaces threonine with isoleucine at codon 2767 of the DSP protein (p.Thr2767Ile). The threonine residue is moderately conserved and there is a moderate physicochemical difference between threonine and isoleucine. This variant is not present in population databases (ExAC no frequency). This variant has not been reported in the literature in individuals with DSP-related conditions. ClinVar contains an entry for this variant (Variation ID: 629352). Algorithms developed to predict the effect of missense changes on protein structure and function output the following: SIFT: "Tolerated"; PolyPhen-2: "Benign"; Align-GVGD: "Class C0". The isoleucine amino acid residue is found in multiple mammalian species, suggesting that this missense change does not adversely affect protein function. These predictions have not been confirmed by published functional studies and their clinical significance is uncertain. In summary, the available evidence is currently insufficient to determine the role of this variant in disease. Therefore, it has been classified as a Variant of Uncertain Significance.

Illumina Laboratory Services, Illumina
Classification: Uncertain significance for Arrhythmogenic cardiomyopathy with wooly hair and keratoderma. Last evaluated: 2018-01-13. Review status: criteria provided, single submitter. Criteria: ICSL Variant Classification Criteria 13 December 2019. Collection method: clinical testing. Allele origin: germline.

Illumina Laboratory Services, Illumina
Classification: Uncertain significance for Arrhythmogenic right ventricular dysplasia 8. Last evaluated: 2018-01-13. Review status: criteria provided, single submitter. Criteria: ICSL Variant Classification Criteria 13 December 2019. Collection method: clinical testing. Allele origin: germline.

Illumina Laboratory Services, Illumina
Classification: Uncertain significance for Lethal acantholytic epidermolysis bullosa. Last evaluated: 2018-01-13. Review status: criteria provided, single submitter. Criteria: ICSL Variant Classification Criteria 13 December 2019. Collection method: clinical testing. Allele origin: germline.

Literature cited by the submitters: PubMed 31983221 (cited by Ambry Genetics).

NM_004415.4(DSP):c.8300C>T (p.Thr2767Ile)

Gene: DSP (desmoplakin; plus strand). Cytogenetic location: 6p24.3.
Variant type: single nucleotide variant.
Coding change: c.8300C>T on transcript NM_004415.4 (MANE Select); coding-DNA position 8300, C replaced by T.
Protein change: p.Thr2767Ile; replaces threonine 2767 with isoleucine.
Molecular consequence: missense variant.
Genome position (GRCh38, 1-based): chr6:7,585,562, C>T. VCF-style: chr6-7585562-C-T. GRCh37 (hg19) VCF-style: chr6-7585795-C-T.
Other names: c.8300C>T (LRG_423t1); c.6503C>T, p.Thr2168Ile (NM_001008844.3); c.6971C>T, p.Thr2324Ile (NM_001319034.2); short protein forms T2767I, T2324I, T2168I.
Identifiers: ClinVar variation 629352 (VCV000629352.17), dbSNP rs34884895, ClinGen allele CA362694866.
Genomic context (GRCh38, chr6:7,585,562, plus strand): 5'-CCGAAGAAGCCATCCGGAAGGGGTTCATAGATGGCCGCGCCGCACAGAGGCTGCAAGACA[C>T]CAGCAGCTATGCCAAAATCCTGACCTGCCCCAAAACCAAATTAAAAATATCCTATAAGGA-3'
Protein context (NP_004406.2, residues 2757-2777): DGRAAQRLQD[Thr2767Ile]SSYAKILTCP